The following is an entry in ClinVar:

NM_003482.4(KMT2D):c.1065T>A (p.Gly355=)

Gene: KMT2D (lysine methyltransferase 2D; minus strand). Cytogenetic location: 12q13.12.
Variant type: single nucleotide variant.
Coding change: c.1065T>A on transcript NM_003482.4 (MANE Select); coding-DNA position 1065, T replaced by A.
Protein change: p.Gly355=; no amino-acid change (glycine 355 retained).
Molecular consequence: synonymous variant.
Genome position (GRCh38, 1-based): chr12:49,052,962, A>T on the plus strand (T>A on the coding strand, the complement: KMT2D is on the minus strand). VCF-style: chr12-49052962-A-T. GRCh37 (hg19) VCF-style: chr12-49446745-A-T.
Identifiers: ClinVar variation 3043392 (VCV003043392.2), dbSNP rs2120692108, ClinGen allele CA479715097.

ClinVar aggregate classification (germline): Likely benign (0 of 4 stars; one submission).

Conditions:
KMT2D-related disorder. Also called: KMT2D-Related Disorders.

Submission:

PreventionGenetics, part of Exact Sciences
Classification: Likely benign for KMT2D-related condition. Last evaluated: 2023-11-22. Review status: no assertion criteria provided. Collection method: clinical testing. Allele origin: germline.
Comment: This variant is classified as likely benign based on ACMG/AMP sequence variant interpretation guidelines (Richards et al. 2015 PMID: 25741868, with internal and published modifications).